The following is an entry in ClinVar:

NM_006231.4(POLE):c.2800G>A (p.Asp934Asn)

Gene: POLE (DNA polymerase epsilon, catalytic subunit; minus strand). Cytogenetic location: 12q24.33.
Variant type: single nucleotide variant.
Coding change: c.2800G>A on transcript NM_006231.4 (MANE Select); coding-DNA position 2800, G replaced by A.
Protein change: p.Asp934Asn; replaces aspartic acid 934 with asparagine.
Molecular consequence: missense variant.
Genome position (GRCh38, 1-based): chr12:132,661,591, C>T on the plus strand (G>A on the coding strand, the complement: POLE is on the minus strand). VCF-style: chr12-132661591-C-T. GRCh37 (hg19) VCF-style: chr12-133238177-C-T.
Other names: short protein forms D934N.
Identifiers: ClinVar variation 4844285 (VCV004844285.1).

ClinVar aggregate classification (germline): Uncertain significance (1 of 4 stars; one submission).

Conditions:
Hereditary cancer-predisposing syndrome. Also called: Neoplastic Syndromes, Hereditary; Tumor predisposition; Hereditary Cancer Syndrome; Hereditary neoplastic syndrome. Identifiers: Orphanet 140162, MedGen C0027672, MeSH D009386, MONDO:0015356.

Submission:

Ambry Genetics
Classification: Uncertain significance for Hereditary cancer-predisposing syndrome. Last evaluated: 2026-02-17. Review status: criteria provided, single submitter. Criteria: Ambry Variant Classification Scheme 2023. Collection method: clinical testing. Allele origin: germline.
Comment: The p.D934N variant (also known as c.2800G>A), located in coding exon 24 of the POLE gene, results from a G to A substitution at nucleotide position 2800. The aspartic acid at codon 934 is replaced by asparagine, an amino acid with highly similar properties. This amino acid position is conserved. In addition, this alteration is predicted to be tolerated by in silico analysis. Based on the available evidence, the clinical significance of this variant remains unclear.